The following is an entry in ClinVar:

NM_017882.3(CLN6):c.297+1G>A

Gene: CLN6 (CLN6 transmembrane ER protein; minus strand). Cytogenetic location: 15q23.
Variant type: single nucleotide variant.
Coding change: c.297+1G>A on transcript NM_017882.3 (MANE Select); the canonical splice donor site of the intron after coding-DNA position 297, G replaced by A.
Molecular consequence: splice donor variant.
Genome position (GRCh38, 1-based): chr15:68,214,289, C>T on the plus strand (G>A on the coding strand, the complement: CLN6 is on the minus strand). VCF-style: chr15-68214289-C-T. GRCh37 (hg19) VCF-style: chr15-68506627-C-T.
Other names: c.393+1G>A (NM_001411068.1).
Identifiers: ClinVar variation 205164 (VCV000205164.7), dbSNP rs796052351, ClinGen allele CA313959.

ClinVar aggregate classification (germline): Pathogenic/Likely pathogenic. Review status: criteria provided, multiple submitters, no conflicts (2 of 4 stars). 2 submissions from 2 submitters: Pathogenic (1); Likely pathogenic (1). Last evaluated 2021-12-29.

Conditions:
Neuronal ceroid lipofuscinosis. Also called: Neuronal Ceroid Lipofuscinoses. Identifiers: Orphanet 216, Orphanet 79263, MedGen C0027877, MONDO:0016295. Disease mechanism: loss of function.

Allele frequency attached by ClinVar (database versions not stated): gnomAD exomes below 0.00001.
gnomAD v4.1: 3 of 1,610,806 alleles (0.00019%); highest among the groups gnomAD compares: Non-Finnish European, 0.00025%; no homozygotes.

Submissions (2):

Labcorp Genetics (formerly Invitae), Labcorp
Classification: Likely pathogenic for Neuronal ceroid lipofuscinosis. Last evaluated: 2021-12-29. Review status: criteria provided, single submitter. Criteria: Invitae Variant Classification Sherloc (09022015). Collection method: clinical testing. Allele origin: germline.
Comment: ClinVar contains an entry for this variant (Variation ID: 205164). In summary, the currently available evidence indicates that the variant is pathogenic, but additional data are needed to prove that conclusively. Therefore, this variant has been classified as Likely Pathogenic. Algorithms developed to predict the effect of sequence changes on RNA splicing suggest that this variant may disrupt the consensus splice site. This variant has not been reported in the literature in individuals affected with CLN6-related conditions. This variant is not present in population databases (gnomAD no frequency). This sequence change affects a donor splice site in intron 3 of the CLN6 gene. It is expected to disrupt RNA splicing. Variants that disrupt the donor or acceptor splice site typically lead to a loss of protein function (PMID: 16199547), and loss-of-function variants in CLN6 are known to be pathogenic (PMID: 19135028).

GeneDx
Classification: Pathogenic. Last evaluated: 2012-06-19. Review status: criteria provided, single submitter. Criteria: GeneDx Variant Classification (06012015). Collection method: clinical testing. Allele origin: germline. Affected: yes.
Comment: IVS3+1 G>A: c.297+1 G>A in intron 3 of the CLN6 gene (NM_017882.2). The c.297+1 G>A splice site mutation in the CLN6 gene destroys the canonical splice donor site in intron 3. It is predicted to cause abnormal gene splicing, either leading to an abnormal message that is subject to nonsense-mediated mRNA decay, or to an abnormal protein product if the message is used for protein translation. Although this mutation has not been previously reported to our knowledge, it is considered a disease-causing mutation. The variant is found in INFANT-EPI panel(s).

Literature cited by the submitters: PubMed 16199547 (cited by Labcorp Genetics (formerly Invitae), Labcorp); PubMed 19135028 (cited by Labcorp Genetics (formerly Invitae), Labcorp).